The following is an entry in ClinVar:

ClinVar aggregate classification (germline): Pathogenic (1 of 4 stars; one submission).

Conditions:
Neuropathy, hereditary sensory and autonomic, type 2A (HSAN2A). Also called: MORVAN DISEASE; NEUROPATHY, CONGENITAL SENSORY; NEUROPATHY, HEREDITARY SENSORY RADICULAR, AUTOSOMAL RECESSIVE; NEUROPATHY, HEREDITARY SENSORY, TYPE IIA; NEUROPATHY, PROGRESSIVE SENSORY, OF CHILDREN; ACROOSTEOLYSIS, GIACCAI TYPE. Identifiers: Orphanet 970, MedGen C2752089, MONDO:0024309, OMIM 201300.
Generalized epilepsy with febrile seizures plus, type 7 (GEFSP7). Also called: GEFS+, TYPE 7. Identifiers: Orphanet 36387, MedGen C2751778, MONDO:0013470, OMIM 613863.

Submission:

Labcorp Genetics (formerly Invitae), Labcorp
Classification: Pathogenic for Neuropathy, hereditary sensory and autonomic, type 2A; Generalized epilepsy with febrile seizures plus, type 7. Last evaluated: 2024-03-27. Review status: criteria provided, single submitter. Criteria: Invitae Variant Classification Sherloc (09022015). Collection method: clinical testing. Allele origin: germline.
Comment: This sequence change creates a premature translational stop signal (p.Ala1694Glyfs*5) in the SCN9A gene. While this is not anticipated to result in nonsense mediated decay, it is expected to disrupt the last 284 amino acid(s) of the SCN9A protein. This variant is not present in population databases (gnomAD no frequency). This variant has not been reported in the literature in individuals affected with SCN9A-related conditions. This variant disrupts a region of the SCN9A protein in which other variant(s) (p.Glu1773Glyfs*14) have been determined to be pathogenic (PMID: 25253744, 30795902). This suggests that this is a clinically significant region of the protein, and that variants that disrupt it are likely to be disease-causing. For these reasons, this variant has been classified as Pathogenic.

Literature cited by the submitters: PubMed 25253744; PubMed 30795902.

NM_001365536.1(SCN9A):c.5113dup (p.Ala1705fs)

Genes: SCN1A-AS1 (SCN1A and SCN9A antisense RNA 1; plus strand), SCN9A (sodium voltage-gated channel alpha subunit 9; minus strand). Cytogenetic location: 2q24.3.
Variant type: Duplication.
Coding change: c.5113dup on transcript NM_001365536.1 (MANE Select); coding-DNA position 5113, one base duplicated (G; older notation c.5113dupG).
Protein change: p.Ala1705fs; shifts the reading frame from alanine 1705.
Molecular consequence: frameshift variant.
Genome position (GRCh38, 1-based): chr2:166,199,526, C duplicated on the plus strand (G on the coding strand, the reverse complement: SCN9A is on the minus strand). VCF-style (leftmost placement, unchanged base first): chr2-166199525-G-GC. GRCh37 (hg19) VCF-style: chr2-167056035-G-GC.
Other names: c.5080dup, p.Ala1694fs (NM_002977.4); short protein forms A1694fs, A1705fs.
Identifiers: ClinVar variation 3755543 (VCV003755543.2).